The following is an entry in ClinVar:

ClinVar aggregate classification (germline): Benign/Likely benign. Review status: criteria provided, multiple submitters, no conflicts (2 of 4 stars). 6 submissions from 6 submitters: Benign (2); Likely benign (2). 2 of the submissions do not count toward it. Last evaluated 2026-09-01.

Submissions (6):

CeGaT Center for Human Genetics Tuebingen
Classification: Benign. Last evaluated: 2026-09-01. Review status: criteria provided, single submitter. Criteria: CeGaT Center For Human Genetics Tuebingen Variant Classification Criteria Version 2. Collection method: clinical testing. Allele origin: germline. Affected: yes. Observed: 32 variant alleles.
Comment: COL18A1: BS1, BS2

Labcorp Genetics (formerly Invitae), Labcorp
Classification: Benign. Last evaluated: 2026-02-03. Review status: criteria provided, single submitter. Criteria: Invitae Variant Classification Sherloc (09022015). Collection method: clinical testing. Allele origin: germline.

Blueprint Genetics
Classification: Likely benign. Last evaluated: 2024-11-28. Review status: criteria provided, single submitter. Criteria: ACMG Guidelines, 2015. Collection method: clinical testing. Allele origin: germline.

PreventionGenetics, part of Exact Sciences
Classification: Likely benign. Review status: criteria provided, single submitter. Criteria: ACMG Guidelines, 2015. Collection method: clinical testing. Allele origin: germline.

Clinical Genetics DNA and cytogenetics Diagnostics Lab, Erasmus MC, Erasmus Medical Center
Classification: Benign. Review status: no assertion criteria provided. Collection method: clinical testing. Allele origin: germline. Affected: yes. Study: VKGL Data-share Consensus. Not counted in ClinVar's aggregate classification.

Laboratory of Diagnostic Genome Analysis, Leiden University Medical Center (LUMC)
Classification: Likely benign. Review status: no assertion criteria provided. Collection method: clinical testing. Allele origin: germline. Affected: yes. Study: VKGL Data-share Consensus. Not counted in ClinVar's aggregate classification.

NM_001379500.1(COL18A1):c.3087+9_3087+10del

Genes: SLC19A1 (solute carrier family 19 member 1; minus strand), COL18A1 (collagen type XVIII alpha 1 chain; plus strand). Cytogenetic location: 21q22.3.
Variant type: Deletion.
Coding change: c.3087+9_3087+10del on transcript NM_001379500.1 (MANE Select); bases 9 to 10 of the intron after coding-DNA position 3087, 2 bases deleted (CT; older notation c.3087+9_3087+10delCT).
Molecular consequence: intron variant.
Genome position (GRCh38, 1-based): chr21:45,505,440-45,505,441, CT deleted; deleting any 2 consecutive bases within chr21:45,505,439-45,505,441 gives the same sequence; the c. name uses the placement nearest the transcript's 3' end. VCF-style (leftmost placement, unchanged base first): chr21-45505438-GTC-G. GRCh37 (hg19) VCF-style: chr21-46925352-GTC-G.
Other names: c.4332+9_4332+10del (NM_130444.3); c.3627+9_3627+10del (NM_030582.4); c.3618+9_3618+10delCT (NM_030582.3).
Identifiers: ClinVar variation 261907 (VCV000261907.42), dbSNP rs373823632, ClinGen allele CA10067672.